The following is an entry in ClinVar:

NM_001323289.2(CDKL5):c.1896del (p.Gln633fs)

Gene: CDKL5 (cyclin dependent kinase like 5; plus strand). Cytogenetic location: Xp22.13.
Variant type: Deletion.
Coding change: c.1896del on transcript NM_001323289.2 (MANE Select); coding-DNA position 1896, one base deleted (G; older notation c.1896delG).
Protein change: p.Gln633fs; shifts the reading frame from glutamine 633.
Molecular consequence: frameshift variant.
Genome position (GRCh38, 1-based): chrX:18,604,820, G deleted; the last of 3 consecutive G bases (chrX:18,604,818-18,604,820); deleting any one gives the same sequence. VCF-style (leftmost placement, unchanged base first): chrX-18604817-AG-A. GRCh37 (hg19) VCF-style: chrX-18622937-AG-A.
Other names: c.1896del, p.Gln633fs (NM_001037343.2, NM_003159.3); short protein forms Q633fs.
Identifiers: ClinVar variation 1400702 (VCV001400702.6), dbSNP rs2147161299, ClinGen allele CA2573158476.
Genomic context (GRCh38, chrX:18,604,817, plus strand): 5'-TTCTATGTATGTGACCCGTGACAAAGTGAGAGCCAAGGGCTTGGATGGAAGCTTGAGCAT[AG>A]GGCAAGGGATGGCAGCTAGAGCCAACAGCCTGCAACTCTTGTCACCCCAGGTACAGTTGA-3'

ClinVar aggregate classification (germline): Pathogenic (1 of 4 stars; one submission).

Conditions:
Angelman syndrome-like. Identifiers: MedGen CN128785.
Developmental and epileptic encephalopathy, 2 (DEE2). Also called: INFANTILE SPASM SYNDROME, X-LINKED 2; CDKL5 deficiency disorder. Identifiers: Orphanet 1934, Orphanet 3451, Orphanet 505652, MedGen C4750718, MONDO:0010396, OMIM 300672.

Submission:

Labcorp Genetics (formerly Invitae), Labcorp
Classification: Pathogenic for Developmental and epileptic encephalopathy, 2; Angelman syndrome-like. Last evaluated: 2022-10-25. Review status: criteria provided, single submitter. Criteria: Invitae Variant Classification Sherloc (09022015). Collection method: clinical testing. Allele origin: germline.
Comment: This sequence change creates a premature translational stop signal (p.Gln633Lysfs*25) in the CDKL5 gene. It is expected to result in an absent or disrupted protein product. Loss-of-function variants in CDKL5 are known to be pathogenic (PMID: 22872100). This variant is not present in population databases (gnomAD no frequency). This variant has not been reported in the literature in individuals affected with CDKL5-related conditions. ClinVar contains an entry for this variant (Variation ID: 1400702). For these reasons, this variant has been classified as Pathogenic.

Literature cited by the submitters: PubMed 22872100.